The following is an entry in ClinVar:

NM_000875.5(IGF1R):c.3595G>A (p.Gly1199Arg)

Gene: IGF1R (insulin like growth factor 1 receptor; plus strand). Cytogenetic location: 15q26.3.
Variant type: single nucleotide variant.
Coding change: c.3595G>A on transcript NM_000875.5 (MANE Select); coding-DNA position 3595, G replaced by A.
Protein change: p.Gly1199Arg; replaces glycine 1199 with arginine.
Molecular consequence: missense variant.
Genome position (GRCh38, 1-based): chr15:98,948,581, G>A. VCF-style: chr15-98948581-G-A. GRCh37 (hg19) VCF-style: chr15-99491810-G-A.
Other names: c.3592G>A, p.Gly1198Arg (NM_001291858.2); c.3595G>A (NM_000875.3); short protein forms G1198R, G1199R.
Identifiers: ClinVar variation 290421 (VCV000290421.11), dbSNP rs886044448, ClinGen allele CA10606770.

ClinVar aggregate classification (germline): Conflicting classifications of pathogenicity. Review status: criteria provided, conflicting classifications (1 of 4 stars). 4 submissions from 4 submitters: Likely pathogenic (1); Uncertain significance (3). Last evaluated 2025-10-15.

Conditions:
Inborn genetic diseases. Identifiers: MedGen C0950123, MeSH D030342.

Allele frequency attached by ClinVar (database versions not stated): gnomAD exomes below 0.00001.
gnomAD v4.1: 2 of 1,613,920 alleles (0.00012%); highest among the groups gnomAD compares: Non-Finnish European, 0.00017%; no homozygotes.

Submissions (4):

Ambry Genetics
Classification: Uncertain significance for Inborn genetic diseases. Last evaluated: 2025-10-15. Review status: criteria provided, single submitter. Criteria: Ambry Variant Classification Scheme 2023. Collection method: clinical testing. Allele origin: germline.
Comment: The c.3595G>A (p.G1199R) alteration is located in exon 20 (coding exon 20) of the IGF1R gene. This alteration results from a G to A substitution at nucleotide position 3595, causing the glycine (G) at amino acid position 1199 to be replaced by an arginine (R). This variant was not reported in population-based cohorts in the Genome Aggregation Database (gnomAD). This variant was reported as heterozygous in individual(s) with features consistent with resistance to insulin-like growth factor I (Giabicani, 2020; Perchard, 2020). This amino acid position is highly conserved in available vertebrate species. This alteration is predicted to be deleterious by in silico analysis. Based on insufficient or conflicting evidence, the clinical significance of this alteration remains unclear.

GeneDx
Classification: Likely pathogenic. Last evaluated: 2025-09-03. Review status: criteria provided, single submitter. Criteria: GeneDx Variant Classification Process June 2021. Collection method: clinical testing. Allele origin: germline.
Comment: In silico analysis supports that this missense variant has a deleterious effect on protein structure/function; Not observed at significant frequency in large population cohorts (gnomAD); This variant is associated with the following publications: (PMID: 31586944, 32939436, Oktay2025[Abstract])

Labcorp Genetics (formerly Invitae), Labcorp
Classification: Uncertain significance. Last evaluated: 2024-06-19. Review status: criteria provided, single submitter. Criteria: Invitae Variant Classification Sherloc (09022015). Collection method: clinical testing. Allele origin: germline.
Comment: This sequence change replaces glycine, which is neutral and non-polar, with arginine, which is basic and polar, at codon 1199 of the IGF1R protein (p.Gly1199Arg). This variant is not present in population databases (gnomAD no frequency). This missense change has been observed in individual(s) with clinical features of IGF1R-related disorders (PMID: 31586944). ClinVar contains an entry for this variant (Variation ID: 290421). Advanced modeling of protein sequence and biophysical properties (such as structural, functional, and spatial information, amino acid conservation, physicochemical variation, residue mobility, and thermodynamic stability) performed at Invitae indicates that this missense variant is expected to disrupt IGF1R protein function with a positive predictive value of 80%. In summary, the available evidence is currently insufficient to determine the role of this variant in disease. Therefore, it has been classified as a Variant of Uncertain Significance.

Eurofins Ntd Llc (ga)
Classification: Uncertain significance. Last evaluated: 2016-08-31. Review status: criteria provided, single submitter. Criteria: EGL Classification Definitions 2015. Collection method: clinical testing. Allele origin: germline. Observed: 2 variant alleles, 2 heterozygotes.

Literature cited by the submitters: PubMed 31586944 (cited by Ambry Genetics and Labcorp Genetics (formerly Invitae), Labcorp); PubMed 32939436 (cited by Ambry Genetics).